The following is an entry in ClinVar:

NM_015178.3(RHOBTB2):c.1215C>G (p.Leu405=)

Gene: RHOBTB2 (Rho related BTB domain containing 2; plus strand). Cytogenetic location: 8p21.3.
Variant type: single nucleotide variant.
Coding change: c.1215C>G on transcript NM_015178.3 (MANE Select); coding-DNA position 1215, C replaced by G.
Protein change: p.Leu405=; no amino-acid change (leucine 405 retained).
Molecular consequence: synonymous variant.
Genome position (GRCh38, 1-based): chr8:23,007,460, C>G. VCF-style: chr8-23007460-C-G. GRCh37 (hg19) VCF-style: chr8-22864973-C-G.
Other names: c.1281C>G, p.Leu427= (NM_001160036.2); c.1236C>G, p.Leu412= (NM_001160037.2); c.1215C>G, p.Leu405= (NM_001374791.1).
Identifiers: ClinVar variation 4873445 (VCV004873445.2).

ClinVar aggregate classification (germline): Likely benign (1 of 4 stars; one submission).

Submission:

CeGaT Center for Human Genetics Tuebingen
Classification: Likely benign. Last evaluated: 2026-05-01. Review status: criteria provided, single submitter. Criteria: CeGaT Center For Human Genetics Tuebingen Variant Classification Criteria Version 2. Collection method: clinical testing. Allele origin: germline. Affected: yes. Observed: 1 variant allele.
Comment: RHOBTB2: BP4, BP7